The following is an entry in ClinVar:

ClinVar aggregate classification (germline): Likely pathogenic (1 of 4 stars; one submission).

Conditions:
Capillary malformation-arteriovenous malformation syndrome. Also called: Capillary malformation-arteriovenous malformation. Identifiers: Orphanet 137667, MedGen C1842180, MONDO:0012016.

Submission:

Labcorp Genetics (formerly Invitae), Labcorp
Classification: Likely pathogenic for Capillary malformation-arteriovenous malformation syndrome. Last evaluated: 2019-09-18. Review status: criteria provided, single submitter. Criteria: Invitae Variant Classification Sherloc (09022015). Collection method: clinical testing. Allele origin: germline.
Comment: In summary, the currently available evidence indicates that the variant is pathogenic, but additional data are needed to prove that conclusively. Therefore, this variant has been classified as Likely Pathogenic. Loss-of-function variants in RASA1 are known to be pathogenic (PMID: 24038909). Algorithms developed to predict the effect of sequence changes on RNA splicing suggest that this variant may disrupt the consensus splice site, but this prediction has not been confirmed by published transcriptional studies. This variant has not been reported in the literature in individuals with RASA1-related conditions. This variant is not present in population databases (ExAC no frequency). This variant results in the deletion of part of exon 10 (c.1333-17_1340del) of the RASA1 gene. It is expected to disrupt RNA splicing and likely results in an absent or disrupted protein product.

Literature cited by the submitters: PubMed 24038909.

NM_002890.3(RASA1):c.1333-17_1340del

Genes: CCNH (cyclin H; minus strand), RASA1 (RAS p21 protein activator 1; plus strand). Cytogenetic location: 5q14.3.
Variant type: Deletion.
Coding change: c.1333-17_1340del on transcript NM_002890.3 (MANE Select); 17 bases into the intron before coding-DNA position 1333 through coding-DNA position 1340, 25 bases deleted (TGTTTTTTAAAATTCAGGATCAAGA).
Molecular consequence: splice acceptor variant. On other transcripts: intron variant (1).
Genome position (GRCh38, 1-based): chr5:87,362,534-87,362,558, TGTTTTTTAAAATTCAGGATCAAGA deleted; deleting any 25 consecutive bases within chr5:87,362,533-87,362,558 gives the same sequence; the c. name uses the placement nearest the transcript's 3' end. VCF-style (leftmost placement, unchanged base first): chr5-87362532-AATGTTTTTTAAAATTCAGGATCAAG-A. GRCh37 (hg19) VCF-style: chr5-86658349-AATGTTTTTTAAAATTCAGGATCAAG-A.
Other names: c.802-17_809del (NM_022650.3); c.933+32487_933+32511del (NM_001364075.2).
Identifiers: ClinVar variation 964369 (VCV000964369.9), dbSNP rs1760184679, ClinGen allele CA1139658949.
Genomic context (GRCh38, chr5:87,362,532, plus strand): 5'-TTAATTGGTACTTTTATAGATTTTTACTTCATTTCCATCAAGAATGTATGAAATAATTTT[AATGTTTTTTAAAATTCAGGATCAAG>A]AACAAGTACTCAATGACACAGTGGATGGCAAGGAAATCTATAATACCATCCGTCGTAAAA-3'